The following is an entry in ClinVar:

NM_018055.5(NODAL):c.914C>T (p.Pro305Leu)

Gene: NODAL (nodal growth differentiation factor; minus strand). Cytogenetic location: 10q22.1.
Variant type: single nucleotide variant.
Coding change: c.914C>T on transcript NM_018055.5 (MANE Select); coding-DNA position 914, C replaced by T.
Protein change: p.Pro305Leu; replaces proline 305 with leucine.
Molecular consequence: missense variant.
Genome position (GRCh38, 1-based): chr10:70,433,066, G>A on the plus strand (C>T on the coding strand, the complement: NODAL is on the minus strand). VCF-style: chr10-70433066-G-A. GRCh37 (hg19) VCF-style: chr10-72192822-G-A.
Other names: c.515C>T, p.Pro172Leu (NM_001329906.2); short protein forms P172L, P305L.
Identifiers: ClinVar variation 1714478 (VCV001714478.5), dbSNP rs1486992639, ClinGen allele CA376945079.

ClinVar aggregate classification (germline): Uncertain significance (1 of 4 stars; one submission).

Conditions:
Heterotaxy, visceral, 5, autosomal (HTX5). Also called: Heterotaxy, visceral, 5. Identifiers: Orphanet 450, MedGen C3495537, MONDO:0700112, OMIM 270100.

Submission:

Labcorp Genetics (formerly Invitae), Labcorp
Classification: Uncertain significance for Heterotaxy, visceral, 5, autosomal. Last evaluated: 2022-07-30. Review status: criteria provided, single submitter. Criteria: Invitae Variant Classification Sherloc (09022015). Collection method: clinical testing. Allele origin: germline.
Comment: Algorithms developed to predict the effect of missense changes on protein structure and function are either unavailable or do not agree on the potential impact of this missense change (SIFT: "Deleterious"; PolyPhen-2: "Probably Damaging"; Align-GVGD: "Class C0"). In summary, the available evidence is currently insufficient to determine the role of this variant in disease. Therefore, it has been classified as a Variant of Uncertain Significance. This sequence change replaces proline, which is neutral and non-polar, with leucine, which is neutral and non-polar, at codon 305 of the NODAL protein (p.Pro305Leu). This variant is not present in population databases (gnomAD no frequency). This variant has not been reported in the literature in individuals affected with NODAL-related conditions.